The following is an entry in ClinVar:

NM_014991.6(WDFY3):c.260dup (p.Met88fs)

Gene: WDFY3 (WD repeat and FYVE domain containing 3; minus strand). Cytogenetic location: 4q21.23.
Variant type: Duplication.
Coding change: c.260dup on transcript NM_014991.6 (MANE Select); coding-DNA position 260, one base duplicated (T; older notation c.260dupT).
Protein change: p.Met88fs; shifts the reading frame from methionine 88.
Molecular consequence: frameshift variant.
Genome position (GRCh38, 1-based): chr4:84,849,946, A duplicated on the plus strand (T on the coding strand, the reverse complement: WDFY3 is on the minus strand). VCF-style (leftmost placement, unchanged base first): chr4-84849945-T-TA. GRCh37 (hg19) VCF-style: chr4-85771098-T-TA.
Other names: short protein forms M88fs.
Identifiers: ClinVar variation 5038130 (VCV005038130.1).

ClinVar aggregate classification (germline): Likely pathogenic (1 of 4 stars; one submission).

Conditions:
Microcephaly 18, primary, autosomal dominant (MCPH18). Identifiers: MedGen C4479608, MONDO:0054593, OMIM 617520.

Submission:

MVZ Medizinische Genetik Mainz
Classification: Likely pathogenic for Microcephaly 18, primary, autosomal dominant. Last evaluated: 2025-10-07. Review status: criteria provided, single submitter. Criteria: UK Practice Guidelines For Variant Classification V4 01 2020. Collection method: clinical testing. Allele origin: germline. Inheritance: Autosomal dominant inheritance. Affected: yes. Observed: 1 variant allele.
Comment: ACMG Criteria: PVS1,PM2_SUP